The following is an entry in ClinVar:

ClinVar aggregate classification (germline): Uncertain significance (1 of 4 stars; one submission).

Allele frequency attached by ClinVar (database versions not stated): ExAC 0.00001; gnomAD exomes 0.00001 and 0.00002; TOPMed 0.00001.
gnomAD v4.1: 23 of 1,614,240 alleles (0.0014%); highest among the groups gnomAD compares: East Asian, 0.0022%; no homozygotes.

Submission:

GeneDx
Classification: Uncertain significance. Last evaluated: 2017-06-26. Review status: criteria provided, single submitter. Criteria: GeneDx Variant Classification (06012015). Collection method: clinical testing. Allele origin: germline. Affected: yes.
Comment: The A160T variant in the EDN3 gene has not been reported previously as a pathogenic variant, nor as a benign variant, to our knowledge. The A160T variant is observed in 1/66734 (0.0014%) alleles from individuals of non-Finnish European background, in large population cohorts (Lek et al., 2016; 1000 Genomes Consortium et al., 2015; Exome Variant Server). The A160T variant is a non-conservative amino acid substitution, which is likely to impact secondary protein structure as these residues differ in polarity, charge, size and/or other properties. However, this substitution occurs at a position that is not conserved and In silico analysis predicts this variant likely does not alter the protein structure/function. Therefore, we interpret A160T as a variant of uncertain significance.

NM_207034.3(EDN3):c.478G>A (p.Ala160Thr)

Gene: EDN3 (endothelin 3; plus strand). Cytogenetic location: 20q13.32.
Variant type: single nucleotide variant.
Coding change: c.478G>A on transcript NM_207034.3 (MANE Select); coding-DNA position 478, G replaced by A.
Protein change: p.Ala160Thr; replaces alanine 160 with threonine.
Molecular consequence: missense variant.
Genome position (GRCh38, 1-based): chr20:59,321,129, G>A. VCF-style: chr20-59321129-G-A. GRCh37 (hg19) VCF-style: chr20-57896184-G-A.
Other names: c.478G>A, p.Ala160Thr (NM_001302455.2, NM_001302456.2, NM_207032.3 and 1 more transcripts); short protein forms A160T.
Identifiers: ClinVar variation 432982 (VCV000432982.2), dbSNP rs778461734, ClinGen allele CA9930384.